The following is an entry in ClinVar:

NM_001134363.3(RBM20):c.3573+16C>T

Gene: RBM20 (RNA binding motif protein 20; plus strand). Cytogenetic location: 10q25.2.
Variant type: single nucleotide variant.
Coding change: c.3573+16C>T on transcript NM_001134363.3 (MANE Select); 16 bases into the intron after coding-DNA position 3573, C replaced by T.
Molecular consequence: intron variant.
Genome position (GRCh38, 1-based): chr10:110,831,198, C>T. VCF-style: chr10-110831198-C-T. GRCh37 (hg19) VCF-style: chr10-112590956-C-T.
Other names: c.3573+16C>T (LRG_382t1).
Identifiers: ClinVar variation 379805 (VCV000379805.11), dbSNP rs772863559, ClinGen allele CA5688800.

ClinVar aggregate classification (germline): Likely benign. Review status: criteria provided, multiple submitters, no conflicts (2 of 4 stars). 5 submissions from 5 submitters: Likely benign (3). 2 of the submissions do not count toward it. Last evaluated 2026-02-01.

Conditions:
Dilated cardiomyopathy 1DD (CMD1DD). Identifiers: Orphanet 154, MedGen C2750995, MONDO:0013168, OMIM 613172.

Allele frequency attached by ClinVar (database versions not stated): gnomAD 0.00011 and 0.00014; TOPMed 0.00015; gnomAD exomes 0.00017 and 0.00020; ExAC 0.00021.
gnomAD v4.1: 324 of 1,549,106 alleles (0.021%); highest among the groups gnomAD compares: Middle Eastern, 0.1%; 1 homozygote.

Submissions (5):

Labcorp Genetics (formerly Invitae), Labcorp
Classification: Likely benign for Dilated cardiomyopathy 1DD. Last evaluated: 2026-02-01. Review status: criteria provided, single submitter. Criteria: Invitae Variant Classification Sherloc (09022015). Collection method: clinical testing. Allele origin: germline.

Blueprint Genetics
Classification: Likely benign. Last evaluated: 2024-11-14. Review status: criteria provided, single submitter. Criteria: ACMG Guidelines, 2015. Collection method: clinical testing. Allele origin: germline.

GeneDx
Classification: Likely benign. Last evaluated: 2018-02-06. Review status: criteria provided, single submitter. Criteria: GeneDx Variant Classification (06012015). Collection method: clinical testing. Allele origin: germline. Affected: yes.
Comment: This variant is considered likely benign or benign based on one or more of the following criteria: it is a conservative change, it occurs at a poorly conserved position in the protein, it is predicted to be benign by multiple in silico algorithms, and/or has population frequency not consistent with disease.

Clinical Genetics, Academic Medical Center
Classification: Benign. Review status: no assertion criteria provided. Collection method: clinical testing. Allele origin: germline. Affected: yes. Study: VKGL Data-share Consensus. Not counted in ClinVar's aggregate classification.

Diagnostic Laboratory, Department of Genetics, University Medical Center Groningen
Classification: Likely benign. Review status: no assertion criteria provided. Collection method: clinical testing. Allele origin: germline. Affected: yes. Study: VKGL Data-share Consensus. Not counted in ClinVar's aggregate classification.